The following is an entry in ClinVar:

ClinVar aggregate classification (germline): Uncertain significance (1 of 4 stars; one submission).

Submission:

CeGaT Center for Human Genetics Tuebingen
Classification: Uncertain significance. Last evaluated: 2025-10-01. Review status: criteria provided, single submitter. Criteria: CeGaT Center For Human Genetics Tuebingen Variant Classification Criteria Version 2. Collection method: clinical testing. Allele origin: germline. Affected: yes. Observed: 1 variant allele.
Comment: DNMT3A: PM2, BP5

NM_022552.5(DNMT3A):c.1720G>A (p.Ala574Thr)

Gene: DNMT3A (DNA methyltransferase 3 alpha; minus strand). Cytogenetic location: 2p23.3.
Variant type: single nucleotide variant.
Coding change: c.1720G>A on transcript NM_022552.5 (MANE Select); coding-DNA position 1720, G replaced by A.
Protein change: p.Ala574Thr; replaces alanine 574 with threonine.
Molecular consequence: missense variant. On other transcripts: non-coding transcript variant (1).
Genome position (GRCh38, 1-based): chr2:25,244,286, C>T on the plus strand (G>A on the coding strand, the complement: DNMT3A is on the minus strand). VCF-style: chr2-25244286-C-T. GRCh37 (hg19) VCF-style: chr2-25467155-C-T.
Other names: c.1264G>A, p.Ala422Thr (NM_001320893.1); c.1051G>A, p.Ala351Thr (NM_001375819.1); c.1153G>A, p.Ala385Thr (NM_153759.3); c.1720G>A, p.Ala574Thr (NM_175629.2); short protein forms A351T, A385T, A422T, A574T.
Identifiers: ClinVar variation 4535051 (VCV004535051.6).